The following is an entry in ClinVar:

ClinVar aggregate classification (germline): Uncertain significance. Review status: criteria provided, multiple submitters, no conflicts (2 of 4 stars). 2 submissions from 2 submitters: Uncertain significance (2). Last evaluated 2022-02-02.

Conditions:
Nephronophthisis 14 (NPHP14). Identifiers: Orphanet 2318, MedGen C3539071, MONDO:0013916, OMIM 614844.

Allele frequency attached by ClinVar (database versions not stated): gnomAD exomes 0.00003; ExAC 0.00004; gnomAD 0.00005 and 0.00006; TOPMed 0.00005.
gnomAD v4.1: 47 of 1,613,894 alleles (0.0029%); highest among the groups gnomAD compares: Middle Eastern, 0.033%; no homozygotes.

Submissions (2):

Labcorp Genetics (formerly Invitae), Labcorp
Classification: Uncertain significance for Nephronophthisis 14. Last evaluated: 2022-02-02. Review status: criteria provided, single submitter. Criteria: Invitae Variant Classification Sherloc (09022015). Collection method: clinical testing. Allele origin: germline.
Comment: This sequence change replaces arginine, which is basic and polar, with cysteine, which is neutral and slightly polar, at codon 760 of the ZNF423 protein (p.Arg760Cys). This variant is present in population databases (rs764927116, gnomAD 0.02%). This variant has not been reported in the literature in individuals affected with ZNF423-related conditions. ClinVar contains an entry for this variant (Variation ID: 940769). Algorithms developed to predict the effect of missense changes on protein structure and function (SIFT, PolyPhen-2, Align-GVGD) all suggest that this variant is likely to be disruptive. Experimental studies have shown that this missense change does not substantially affect ZNF423 function (PMID: 32925911). In summary, the available evidence is currently insufficient to determine the role of this variant in disease. Therefore, it has been classified as a Variant of Uncertain Significance.

Breakthrough Genomics
Classification: Uncertain significance. Review status: criteria provided, single submitter. Criteria: ACMG Guidelines, 2015. Collection method: not provided. Allele origin: germline. Inheritance: Autosomal recessive inheritance. Affected: yes.

Literature cited by the submitters: PubMed 32925911 (cited by Labcorp Genetics (formerly Invitae), Labcorp).

NM_001379286.1(ZNF423):c.2302C>T (p.Arg768Cys)

Gene: ZNF423 (zinc finger protein 423; minus strand). Cytogenetic location: 16q12.1.
Variant type: single nucleotide variant.
Coding change: c.2302C>T on transcript NM_001379286.1 (MANE Select); coding-DNA position 2302, C replaced by T.
Protein change: p.Arg768Cys; replaces arginine 768 with cysteine.
Molecular consequence: missense variant.
Genome position (GRCh38, 1-based): chr16:49,636,874, G>A on the plus strand (C>T on the coding strand, the complement: ZNF423 is on the minus strand). VCF-style: chr16-49636874-G-A. GRCh37 (hg19) VCF-style: chr16-49670785-G-A.
Other names: c.2098C>T, p.Arg700Cys (NM_001271620.2); c.1927C>T, p.Arg643Cys (NM_001330533.2); c.2278C>T, p.Arg760Cys (NM_015069.5); short protein forms R700C, R768C, R643C, R760C.
Identifiers: ClinVar variation 940769 (VCV000940769.7), dbSNP rs764927116, ClinGen allele CA8046534.